The following is an entry in ClinVar:

NM_001035.3(RYR2):c.10972A>C (p.Thr3658Pro)

Gene: RYR2 (ryanodine receptor 2; plus strand). Cytogenetic location: 1q43.
Variant type: single nucleotide variant.
Coding change: c.10972A>C on transcript NM_001035.3 (MANE Select); coding-DNA position 10972, A replaced by C.
Protein change: p.Thr3658Pro; replaces threonine 3658 with proline.
Molecular consequence: missense variant.
Genome position (GRCh38, 1-based): chr1:237,732,082, A>C. VCF-style: chr1-237732082-A-C. GRCh37 (hg19) VCF-style: chr1-237895382-A-C.
Other names: short protein forms T3658P.
Identifiers: ClinVar variation 927431 (VCV000927431.6), dbSNP rs763304030, ClinGen allele CA084640.

ClinVar aggregate classification (germline): Uncertain significance. Review status: criteria provided, multiple submitters, no conflicts (2 of 4 stars). 2 submissions from 2 submitters: Uncertain significance (2). Last evaluated 2023-12-05.

Conditions:
Cardiomyopathy (CMYO). Also called: Cardiomyopathies. Identifiers: Orphanet 167848, MedGen C0878544, MONDO:0004994, HP:0001638. Inheritance: Various modes of inheritance.

Allele frequency attached by ClinVar (database versions not stated): ExAC 0.00001.
gnomAD v4.1: 4 of 1,611,708 alleles (0.00025%); highest among the groups gnomAD compares: South Asian, 0.0044%; no homozygotes.

Submissions (2):

Color Diagnostics, LLC DBA Color Health
Classification: Uncertain significance for Cardiomyopathy. Last evaluated: 2023-12-05. Review status: criteria provided, single submitter. Criteria: ACMG Guidelines, 2015. Collection method: clinical testing. Allele origin: germline.
Comment: Variant of Uncertain Significance due to insufficient evidence: This missense variant is located in the cytoplasmic domain of the RYR2 protein. Computational prediction tools and conservation analyses suggest that this variant may not impact the protein function. Computational splicing tools suggest that this variant may not impact RNA splicing. To our knowledge, functional assays have not been performed for this variant nor has this variant been reported in individuals affected with cardiovascular disorders in the literature. This variant is rare in the general population and has been identified in 0/277264 chromosomes by the Genome Aggregation Database (gnomAD). Available evidence is insufficient to determine the pathogenicity of this variant conclusively.

Phosphorus, Inc.
Classification: Uncertain significance. Last evaluated: 2022-01-13. Review status: criteria provided, single submitter. Criteria: ACMG Guidelines, 2015. Collection method: clinical testing. Allele origin: germline. Inheritance: Autosomal dominant inheritance.
Comment: This missense variant resulted in an amino acid substitution of threonine with proline at codon 3658 of the RYR2 gene. The variant is very rare, and it has not occurred in GnomAD population databases. This position is not conserved. In silico functional algorithm predicted with Polyphen calling it benign, and SIFT tolerated, but no functional studies were performed to confirm this prediction. This variant NM_001035.3(RYR2):c.10972A>C (p.Thr3658Pro) is present in the ClinVar database (ID: 927431). The variant has not occurred in the literature in the association with the disease. Considering that this is a rare variant, whose impact on protein and association with the disease are unknown, it has been classified as a Variant of Uncertain Significance.